The following is an entry in ClinVar:

ClinVar aggregate classification (germline): Uncertain significance. Review status: criteria provided, multiple submitters, no conflicts (2 of 4 stars). 3 submissions from 3 submitters: Uncertain significance (3). Last evaluated 2025-02-26.

Conditions:
Hereditary cancer-predisposing syndrome. Also called: Neoplastic Syndromes, Hereditary; Tumor predisposition; Hereditary Cancer Syndrome; Hereditary neoplastic syndrome. Identifiers: Orphanet 140162, MedGen C0027672, MeSH D009386, MONDO:0015356.
Gastrointestinal stromal tumor. Also called: Gastrointestinal stromal tumor, somatic; Gastrointestinal stroma tumor. Identifiers: Orphanet 44890, MedGen C0238198, MeSH D046152, MONDO:0011719, OMIM 606764, HP:0100723.

Submissions (3):

Labcorp Genetics (formerly Invitae), Labcorp
Classification: Uncertain significance for Gastrointestinal stromal tumor. Last evaluated: 2025-02-26. Review status: criteria provided, single submitter. Criteria: Invitae Variant Classification Sherloc (09022015). Collection method: clinical testing. Allele origin: germline.
Comment: This sequence change replaces threonine, which is neutral and polar, with alanine, which is neutral and non-polar, at codon 234 of the KIT protein (p.Thr234Ala). This variant is not present in population databases (gnomAD no frequency). This variant has not been reported in the literature in individuals affected with KIT-related conditions. ClinVar contains an entry for this variant (Variation ID: 659312). An algorithm developed to predict the effect of missense changes on protein structure and function (PolyPhen-2) suggests that this variant is likely to be tolerated. In summary, the available evidence is currently insufficient to determine the role of this variant in disease. Therefore, it has been classified as a Variant of Uncertain Significance.

Ambry Genetics
Classification: Uncertain significance for Hereditary cancer-predisposing syndrome. Last evaluated: 2024-09-16. Review status: criteria provided, single submitter. Criteria: Ambry Variant Classification Scheme 2023. Collection method: clinical testing. Allele origin: germline.
Comment: The p.T234A variant (also known as c.700A>G), located in coding exon 4 of the KIT gene, results from an A to G substitution at nucleotide position 700. The threonine at codon 234 is replaced by alanine, an amino acid with similar properties. This amino acid position is conserved. In addition, this alteration is predicted to be tolerated by in silico analysis. Since supporting evidence is limited at this time, the clinical significance of this alteration remains unclear.

GeneDx
Classification: Uncertain significance. Last evaluated: 2023-10-18. Review status: criteria provided, single submitter. Criteria: GeneDx Variant Classification Process June 2021. Collection method: clinical testing. Allele origin: germline. Affected: yes.
Comment: Not observed at significant frequency in large population cohorts (gnomAD); In silico analysis supports that this missense variant does not alter protein structure/function; Has not been previously published as pathogenic or benign to our knowledge

NM_000222.3(KIT):c.700A>G (p.Thr234Ala)

Gene: KIT (KIT proto-oncogene, receptor tyrosine kinase; plus strand). Cytogenetic location: 4q12.
Variant type: single nucleotide variant.
Coding change: c.700A>G on transcript NM_000222.3 (MANE Select); coding-DNA position 700, A replaced by G.
Protein change: p.Thr234Ala; replaces threonine 234 with alanine.
Molecular consequence: missense variant.
Genome position (GRCh38, 1-based): chr4:54,699,710, A>G. VCF-style: chr4-54699710-A-G. GRCh37 (hg19) VCF-style: chr4-55565876-A-G.
Other names: c.700A>G, p.Thr234Ala (NM_001093772.2, NM_001385284.1, NM_001385285.1 and 4 more transcripts); short protein forms T234A.
Identifiers: ClinVar variation 659312 (VCV000659312.13), dbSNP rs1577958731, ClinGen allele CA356898424.